The following is an entry in ClinVar:

NM_001371986.1(UNC80):c.7899G>A (p.Met2633Ile)

Gene: UNC80 (unc-80 subunit of NALCN channel complex; plus strand). Cytogenetic location: 2q34.
Variant type: single nucleotide variant.
Coding change: c.7899G>A on transcript NM_001371986.1 (MANE Select); coding-DNA position 7899, G replaced by A.
Protein change: p.Met2633Ile; replaces methionine 2633 with isoleucine.
Molecular consequence: missense variant.
Genome position (GRCh38, 1-based): chr2:209,967,530, G>A. VCF-style: chr2-209967530-G-A. GRCh37 (hg19) VCF-style: chr2-210832254-G-A.
Other names: c.7701G>A, p.Met2567Ile (NM_032504.2); c.7686G>A, p.Met2562Ile (NM_182587.4); short protein forms M2562I, M2633I, M2567I.
Identifiers: ClinVar variation 2077968 (VCV002077968.4), dbSNP rs1274163532, ClinGen allele CA350777297.
Genomic context (GRCh38, chr2:209,967,530, plus strand): 5'-GGCACCATATGACACTCAGACAATGGAGAGTCGTGGGCTTCGGCGCTACATCATGGAGAT[G>A]CTACCCATTACTGACTGGACAGCTGAGGCAGTGAGGCCGGCCCTCATCCTCATTTTAAAA-3'
Protein context (NP_001358915.1, residues 2623-2643): SRGLRRYIME[Met2633Ile]LPITDWTAEA

ClinVar aggregate classification (germline): Uncertain significance (1 of 4 stars; one submission).

Submission:

Labcorp Genetics (formerly Invitae), Labcorp
Classification: Uncertain significance. Last evaluated: 2022-01-08. Review status: criteria provided, single submitter. Criteria: Invitae Variant Classification Sherloc (09022015). Collection method: clinical testing. Allele origin: germline.
Comment: This variant is not present in population databases (gnomAD no frequency). In summary, the available evidence is currently insufficient to determine the role of this variant in disease. Therefore, it has been classified as a Variant of Uncertain Significance. Algorithms developed to predict the effect of missense changes on protein structure and function are either unavailable or do not agree on the potential impact of this missense change (SIFT: "Not Available"; PolyPhen-2: "Possibly Damaging"; Align-GVGD: "Not Available"). This variant has not been reported in the literature in individuals affected with UNC80-related conditions. This sequence change replaces methionine, which is neutral and non-polar, with isoleucine, which is neutral and non-polar, at codon 2567 of the UNC80 protein (p.Met2567Ile).